The following is an entry in ClinVar:

ClinVar aggregate classification (germline): Conflicting classifications of pathogenicity. Review status: criteria provided, conflicting classifications (1 of 4 stars). 2 submissions from 2 submitters: Uncertain significance (1); Likely benign (1). Last evaluated 2026-03-11.

Conditions:
Cardiovascular phenotype. Identifiers: MedGen CN230736.

gnomAD v4.1: 2 of 1,609,714 alleles (0.00012%); highest among the groups gnomAD compares: Non-Finnish European, 0.00017%; no homozygotes.

Submissions (2):

Women's Health and Genetics/Laboratory Corporation of America, LabCorp
Classification: Uncertain significance. Last evaluated: 2026-03-11. Review status: criteria provided, single submitter. Criteria: LabCorp Variant Classification Summary - May 2015. Collection method: clinical testing. Allele origin: germline.
Comment: Variant summary: PTPN11 c.759A>G (p.Thr253Thr) alters a nucleotide located close to a canonical splice site and therefore could affect mRNA splicing, leading to a significantly altered protein sequence. Consensus agreement among computation tools predict no significant impact on normal splicing. However, these predictions have yet to be confirmed by functional studies. The variant was absent in 247494 control chromosomes. The available data on variant occurrences in the general population are insufficient to allow any conclusion about variant significance. c.759A>G has been observed in individual(s) affected with Noonan Syndrome And Related Conditions (Leach_2019). These report(s) do not provide unequivocal conclusions about association of the variant with Noonan Syndrome And Related Conditions. To our knowledge, no experimental evidence demonstrating an impact on protein function has been reported. The following publication have been ascertained in the context of this evaluation (PMID: 29907801). ClinVar contains an entry for this variant (Variation ID: 3940408). Based on the evidence outlined above, the variant was classified as uncertain significance.

Ambry Genetics
Classification: Likely benign for Cardiovascular phenotype. Last evaluated: 2025-04-19. Review status: criteria provided, single submitter. Criteria: Ambry Variant Classification Scheme 2023. Collection method: clinical testing. Allele origin: germline.

Literature cited by the submitters: PubMed 29907801 (cited by Women's Health and Genetics/Laboratory Corporation of America, LabCorp).

NM_002834.5(PTPN11):c.759A>G (p.Thr253=)

Gene: PTPN11 (protein tyrosine phosphatase non-receptor type 11; plus strand). Cytogenetic location: 12q24.13.
Variant type: single nucleotide variant.
Coding change: c.759A>G on transcript NM_002834.5 (MANE Select); coding-DNA position 759, A replaced by G.
Protein change: p.Thr253=; no amino-acid change (threonine 253 retained).
Molecular consequence: synonymous variant.
Genome position (GRCh38, 1-based): chr12:112,472,946, A>G. VCF-style: chr12-112472946-A-G. GRCh37 (hg19) VCF-style: chr12-112910750-A-G.
Other names: c.759A>G, p.Thr253= (NM_001330437.2, NM_080601.3); c.756A>G, p.Thr252= (NM_001374625.1).
Identifiers: ClinVar variation 3940408 (VCV003940408.2).